The following is an entry in ClinVar:

NM_014112.5(TRPS1):c.2036A>T (p.His679Leu)

Gene: TRPS1 (transcriptional repressor GATA binding 1; minus strand). Cytogenetic location: 8q23.3.
Variant type: single nucleotide variant.
Coding change: c.2036A>T on transcript NM_014112.5 (MANE Select); coding-DNA position 2036, A replaced by T.
Protein change: p.His679Leu; replaces histidine 679 with leucine.
Molecular consequence: missense variant.
Genome position (GRCh38, 1-based): chr8:115,603,933, T>A on the plus strand (A>T on the coding strand, the complement: TRPS1 is on the minus strand). VCF-style: chr8-115603933-T-A. GRCh37 (hg19) VCF-style: chr8-116616160-T-A.
Other names: c.2009A>T, p.His670Leu (NM_001282902.3); c.2015A>T, p.His672Leu (NM_001282903.3); c.1997A>T, p.His666Leu (NM_001330599.2); short protein forms H672L, H666L, H670L, H679L.
Identifiers: ClinVar variation 1965961 (VCV001965961.5), dbSNP rs1479213719, ClinGen allele CA372066066.

ClinVar aggregate classification (germline): Uncertain significance (1 of 4 stars; one submission).

Conditions:
Trichorhinophalangeal dysplasia type I (TRPS1). Also called: TRICHORHINOPHALANGEAL SYNDROME, TYPE I; TRPS I. Identifiers: Orphanet 77258, MedGen C0432233, MONDO:0008596, OMIM 190350.
Trichorhinophalangeal syndrome, type III (TRPS3). Also called: SUGIO-KAJII SYNDROME. Identifiers: Orphanet 77258, MedGen C1860823, OMIM 190351, MONDO:0008597.

gnomAD v4.1: 1 of 1,613,844 alleles (0.000062%); highest among the groups gnomAD compares: Admixed American, 0.0017%; no homozygotes.

Submission:

Labcorp Genetics (formerly Invitae), Labcorp
Classification: Uncertain significance for Trichorhinophalangeal syndrome, type III; Trichorhinophalangeal dysplasia type I. Last evaluated: 2022-10-04. Review status: criteria provided, single submitter. Criteria: Invitae Variant Classification Sherloc (09022015). Collection method: clinical testing. Allele origin: germline.
Comment: This sequence change replaces histidine, which is basic and polar, with leucine, which is neutral and non-polar, at codon 679 of the TRPS1 protein (p.His679Leu). This variant is present in population databases (no rsID available, gnomAD 0.003%). This variant has not been reported in the literature in individuals affected with TRPS1-related conditions. Advanced modeling of protein sequence and biophysical properties (such as structural, functional, and spatial information, amino acid conservation, physicochemical variation, residue mobility, and thermodynamic stability) has been performed at Invitae for this missense variant, however the output from this modeling did not meet the statistical confidence thresholds required to predict the impact of this variant on TRPS1 protein function. In summary, the available evidence is currently insufficient to determine the role of this variant in disease. Therefore, it has been classified as a Variant of Uncertain Significance.